The following is an entry in ClinVar:

NM_014000.3(VCL):c.1114C>T (p.Arg372Cys)

Gene: VCL (vinculin; plus strand). Cytogenetic location: 10q22.2.
Variant type: single nucleotide variant.
Coding change: c.1114C>T on transcript NM_014000.3 (MANE Select); coding-DNA position 1114, C replaced by T.
Protein change: p.Arg372Cys; replaces arginine 372 with cysteine.
Molecular consequence: missense variant.
Genome position (GRCh38, 1-based): chr10:74,089,287, C>T. VCF-style: chr10-74089287-C-T. GRCh37 (hg19) VCF-style: chr10-75849045-C-T.
Other names: c.1114C>T, p.Arg372Cys (NM_003373.4); short protein forms R372C.
Identifiers: ClinVar variation 948268 (VCV000948268.10), dbSNP rs770954415, ClinGen allele CA5562926.

ClinVar aggregate classification (germline): Uncertain significance. Review status: criteria provided, multiple submitters, no conflicts (2 of 4 stars). 2 submissions from 2 submitters: Uncertain significance (2). Last evaluated 2025-06-20.

Conditions:
Dilated cardiomyopathy 1W (CMD1W). Identifiers: Orphanet 154, MedGen C1969639, MONDO:0012667, OMIM 611407.
Cardiovascular phenotype. Identifiers: MedGen CN230736.

Allele frequency attached by ClinVar (database versions not stated): gnomAD 0.00001; ExAC 0.00002; gnomAD exomes 0.00002.
gnomAD v4.1: 31 of 1,613,930 alleles (0.0019%); highest among the groups gnomAD compares: Non-Finnish European, 0.0019%; no homozygotes.

Submissions (2):

Labcorp Genetics (formerly Invitae), Labcorp
Classification: Uncertain significance for Dilated cardiomyopathy 1W. Last evaluated: 2025-06-20. Review status: criteria provided, single submitter. Criteria: Invitae Variant Classification Sherloc (09022015). Collection method: clinical testing. Allele origin: germline.
Comment: This sequence change replaces arginine, which is basic and polar, with cysteine, which is neutral and slightly polar, at codon 372 of the VCL protein (p.Arg372Cys). This variant is present in population databases (rs770954415, gnomAD 0.008%). This variant has not been reported in the literature in individuals affected with VCL-related conditions. ClinVar contains an entry for this variant (Variation ID: 948268). An algorithm developed to predict the effect of missense changes on protein structure and function (PolyPhen-2) suggests that this variant is likely to be disruptive. In summary, the available evidence is currently insufficient to determine the role of this variant in disease. Therefore, it has been classified as a Variant of Uncertain Significance.

Ambry Genetics
Classification: Uncertain significance for Cardiovascular phenotype. Last evaluated: 2025-03-02. Review status: criteria provided, single submitter. Criteria: Ambry Variant Classification Scheme 2023. Collection method: clinical testing. Allele origin: germline.
Comment: The p.R372C variant (also known as c.1114C>T), located in coding exon 9 of the VCL gene, results from a C to T substitution at nucleotide position 1114. The arginine at codon 372 is replaced by cysteine, an amino acid with highly dissimilar properties. This amino acid position is conserved. In addition, the in silico prediction for this alteration is inconclusive. Since supporting evidence is limited at this time, the clinical significance of this alteration remains unclear.